The following is an entry in ClinVar:

NM_004817.4(TJP2):c.358C>T (p.Arg120Trp)

Gene: TJP2 (tight junction protein 2; plus strand). Cytogenetic location: 9q21.11.
Variant type: single nucleotide variant.
Coding change: c.358C>T on transcript NM_004817.4 (MANE Select); coding-DNA position 358, C replaced by T.
Protein change: p.Arg120Trp; replaces arginine 120 with tryptophan.
Molecular consequence: missense variant.
Genome position (GRCh38, 1-based): chr9:69,220,902, C>T. VCF-style: chr9-69220902-C-T. GRCh37 (hg19) VCF-style: chr9-71835818-C-T.
Other names: p.Arg120Trp; c.289C>T, p.Arg97Trp (NM_001170414.2, NM_001369870.1, NM_001369871.1); c.370C>T, p.Arg124Trp (NM_001170415.1, NM_001369874.1, NM_001369875.1); c.451C>T, p.Arg151Trp (NM_001170416.2); c.358C>T, p.Arg120Trp (NM_001369872.1, NM_001369873.1, NM_201629.3); short protein forms R120W, R124W, R151W, R97W.
Identifiers: ClinVar variation 3379867 (VCV003379867.1).

ClinVar aggregate classification (germline): Uncertain significance (1 of 4 stars; one submission).

gnomAD v4.1: 10 of 1,612,180 alleles (0.00062%); highest among the groups gnomAD compares: Middle Eastern, 0.022%; no homozygotes.

Submission:

Mayo Clinic Laboratories, Mayo Clinic
Classification: Uncertain significance. Last evaluated: 2023-11-03. Review status: criteria provided, single submitter. Criteria: ACMG Guidelines, 2015. Collection method: clinical testing. Allele origin: germline. Observed: 1 variant allele.
Comment: PM2_moderate